The following is an entry in ClinVar:

NM_033026.6(PCLO):c.11172G>A (p.Leu3724=)

Gene: PCLO (piccolo presynaptic cytomatrix protein; minus strand). Cytogenetic location: 7q21.11.
Variant type: single nucleotide variant.
Coding change: c.11172G>A on transcript NM_033026.6 (MANE Select); coding-DNA position 11172, G replaced by A.
Protein change: p.Leu3724=; no amino-acid change (leucine 3724 retained).
Molecular consequence: synonymous variant.
Genome position (GRCh38, 1-based): chr7:82,916,814, C>T on the plus strand (G>A on the coding strand, the complement: PCLO is on the minus strand). VCF-style: chr7-82916814-C-T. GRCh37 (hg19) VCF-style: chr7-82546130-C-T.
Other names: c.11172G>A, p.Leu3724= (NM_014510.3).
Identifiers: ClinVar variation 1166332 (VCV001166332.34), dbSNP rs201525533, ClinGen allele CA4319601.

ClinVar aggregate classification (germline): Benign/Likely benign. Review status: criteria provided, multiple submitters, no conflicts (2 of 4 stars). 3 submissions from 3 submitters: Benign (1); Likely benign (2). Last evaluated 2026-01-28.

Allele frequency attached by ClinVar (database versions not stated): gnomAD exomes 0.00016 and 0.00048; ExAC 0.00058; ESP Exome Variant Server 0.00144; gnomAD 0.00166 and 0.00178; 1000 Genomes Project 0.00180; TOPMed 0.00186; 1000 Genomes Project 30x 0.00203.
gnomAD v4.1: 488 of 1,613,486 alleles (0.03%); highest among the groups gnomAD compares: African/African-American, 0.61%; no homozygotes.

Submissions (3):

Labcorp Genetics (formerly Invitae), Labcorp
Classification: Benign. Last evaluated: 2026-01-28. Review status: criteria provided, single submitter. Criteria: Invitae Variant Classification Sherloc (09022015). Collection method: clinical testing. Allele origin: germline.

Blueprint Genetics
Classification: Likely benign. Last evaluated: 2024-10-24. Review status: criteria provided, single submitter. Criteria: ACMG Guidelines, 2015. Collection method: clinical testing. Allele origin: germline.

CeGaT Center for Human Genetics Tuebingen
Classification: Likely benign. Last evaluated: 2023-04-01. Review status: criteria provided, single submitter. Criteria: CeGaT Center For Human Genetics Tuebingen Variant Classification Criteria Version 2. Collection method: clinical testing. Allele origin: germline. Affected: yes. Observed: 1 variant allele.
Comment: PCLO: BP4, BP7